The following is an entry in ClinVar:

ClinVar aggregate classification (germline): Pathogenic (1 of 4 stars; one submission).

Conditions:
Joubert syndrome. Also called: JOUBERT-BOLTSHAUSER SYNDROME; Familial aplasia of the vermis. Identifiers: Orphanet 475, MedGen C5979921, MONDO:0018772.
Meckel-Gruber syndrome. Also called: DYSENCEPHALIA SPLANCHNOCYSTICA; GRUBER SYNDROME; Dysencephalia splachnocystica. Identifiers: Orphanet 564, MedGen C0265215, MONDO:0018921.

Submission:

Labcorp Genetics (formerly Invitae), Labcorp
Classification: Pathogenic for Joubert syndrome; Meckel-Gruber syndrome. Last evaluated: 2022-10-01. Review status: criteria provided, single submitter. Criteria: Invitae Variant Classification Sherloc (09022015). Collection method: clinical testing. Allele origin: germline.
Comment: For these reasons, this variant has been classified as Pathogenic. This sequence change creates a premature translational stop signal (p.Lys1257Serfs*23) in the CC2D2A gene. It is expected to result in an absent or disrupted protein product. Loss-of-function variants in CC2D2A are known to be pathogenic (PMID: 19777577). This variant is not present in population databases (gnomAD no frequency). This variant has not been reported in the literature in individuals affected with CC2D2A-related conditions.

Literature cited by the submitters: PubMed 19777577.

NM_001378615.1(CC2D2A):c.3770del (p.Lys1257fs)

Genes: CC2D2A (coiled-coil and C2 domain containing 2A; plus strand), FBXL5 (F-box and leucine rich repeat protein 5; minus strand). Cytogenetic location: 4p15.32.
Variant type: Deletion.
Coding change: c.3770del on transcript NM_001378615.1 (MANE Select); coding-DNA position 3770, one base deleted (A; older notation c.3770delA).
Protein change: p.Lys1257fs; shifts the reading frame from lysine 1257.
Molecular consequence: frameshift variant.
Genome position (GRCh38, 1-based): chr4:15,574,325, A deleted; the last of 4 consecutive A bases (chr4:15,574,322-15,574,325); deleting any one gives the same sequence. VCF-style (leftmost placement, unchanged base first): chr4-15574321-GA-G. GRCh37 (hg19) VCF-style: chr4-15575944-GA-G.
Other names: c.3770del, p.Lys1257fs (NM_001080522.2); c.3623del, p.Lys1208fs (NM_001378617.1); short protein forms K1257fs, K1208fs.
Identifiers: ClinVar variation 2033611 (VCV002033611.4), dbSNP rs2475093534, ClinGen allele CA2580070865.